The following is an entry in ClinVar:

NM_000384.3(APOB):c.5266A>G (p.Ser1756Gly)

Gene: APOB (apolipoprotein B; minus strand). Cytogenetic location: 2p24.1.
Variant type: single nucleotide variant.
Coding change: c.5266A>G on transcript NM_000384.3 (MANE Select); coding-DNA position 5266, A replaced by G.
Protein change: p.Ser1756Gly; replaces serine 1756 with glycine.
Molecular consequence: missense variant.
Genome position (GRCh38, 1-based): chr2:21,011,602, T>C on the plus strand (A>G on the coding strand, the complement: APOB is on the minus strand). VCF-style: chr2-21011602-T-C. GRCh37 (hg19) VCF-style: chr2-21234474-T-C.
Other names: short protein forms S1756G.
Identifiers: ClinVar variation 3933132 (VCV003933132.1).

ClinVar aggregate classification (germline): Uncertain significance (1 of 4 stars; one submission).

Conditions:
Cardiovascular phenotype. Identifiers: MedGen CN230736.

Submission:

Ambry Genetics
Classification: Uncertain significance for Cardiovascular phenotype. Last evaluated: 2025-05-17. Review status: criteria provided, single submitter. Criteria: Ambry Variant Classification Scheme 2023. Collection method: clinical testing. Allele origin: germline.
Comment: The p.S1756G variant (also known as c.5266A>G), located in coding exon 26 of the APOB gene, results from an A to G substitution at nucleotide position 5266. The serine at codon 1756 is replaced by glycine, an amino acid with similar properties. This amino acid position is conserved. In addition, this alteration is predicted to be tolerated by in silico analysis. Based on the available evidence, the clinical significance of this variant remains unclear.